The following is an entry in ClinVar:

NM_001844.5(COL2A1):c.1204G>A (p.Gly402Arg)

Gene: COL2A1 (collagen type II alpha 1 chain; minus strand). Cytogenetic location: 12q13.11.
Variant type: single nucleotide variant.
Coding change: c.1204G>A on transcript NM_001844.5 (MANE Select); coding-DNA position 1204, G replaced by A.
Protein change: p.Gly402Arg; replaces glycine 402 with arginine.
Molecular consequence: missense variant.
Genome position (GRCh38, 1-based): chr12:47,987,628, C>T on the plus strand (G>A on the coding strand, the complement: COL2A1 is on the minus strand). VCF-style: chr12-47987628-C-T. GRCh37 (hg19) VCF-style: chr12-48381411-C-T.
Other names: c.997G>A, p.Gly333Arg (NM_033150.3); short protein forms G333R, G402R.
Identifiers: ClinVar variation 3662797 (VCV003662797.2).

ClinVar aggregate classification (germline): Likely pathogenic (1 of 4 stars; one submission).

Submission:

Labcorp Genetics (formerly Invitae), Labcorp
Classification: Likely pathogenic. Last evaluated: 2025-05-17. Review status: criteria provided, single submitter. Criteria: Invitae Variant Classification Sherloc (09022015). Collection method: clinical testing. Allele origin: germline.
Comment: This sequence change replaces glycine, which is neutral and non-polar, with arginine, which is basic and polar, at codon 402 of the COL2A1 protein (p.Gly402Arg). This variant is not present in population databases (gnomAD no frequency). This variant has not been reported in the literature in individuals affected with COL2A1-related conditions. ClinVar contains an entry for this variant (Variation ID: 3662797). Invitae Evidence Modeling of protein sequence and biophysical properties (such as structural, functional, and spatial information, amino acid conservation, physicochemical variation, residue mobility, and thermodynamic stability) indicates that this missense variant is expected to disrupt COL2A1 protein function with a positive predictive value of 95%. This variant disrupts the triple helix domain of COL2A1. Glycine residues within the Gly-Xaa-Yaa repeats of the triple helix domain are required for the structure and stability of fibrillar collagens (PMID: 7695699, 8218237, 19344236). In COL2A1, variants affecting these glycine residues are significantly enriched in individuals with disease (PMID: 9016532, 17078022) compared to the general population (ExAC). In summary, the currently available evidence indicates that the variant is pathogenic, but additional data are needed to prove that conclusively. Therefore, this variant has been classified as Likely Pathogenic.

Literature cited by the submitters: PubMed 7695699; PubMed 8218237; PubMed 19344236; PubMed 9016532; PubMed 17078022.